The following is an entry in ClinVar:

NM_005502.4(ABCA1):c.3389T>C (p.Leu1130Ser)

Gene: ABCA1 (ATP binding cassette subfamily A member 1; minus strand). Cytogenetic location: 9q31.1.
Variant type: single nucleotide variant.
Coding change: c.3389T>C on transcript NM_005502.4 (MANE Select); coding-DNA position 3389, T replaced by C.
Protein change: p.Leu1130Ser; replaces leucine 1130 with serine.
Molecular consequence: missense variant.
Genome position (GRCh38, 1-based): chr9:104,818,736, A>G on the plus strand (T>C on the coding strand, the complement: ABCA1 is on the minus strand). VCF-style: chr9-104818736-A-G. GRCh37 (hg19) VCF-style: chr9-107581017-A-G.
Other names: short protein forms L1130S.
Identifiers: ClinVar variation 3224747 (VCV003224747.1), dbSNP rs2538136267, ClinGen allele CA374318687.

ClinVar aggregate classification (germline): Uncertain significance (1 of 4 stars; one submission).

Conditions:
Cardiovascular phenotype. Identifiers: MedGen CN230736.

Submission:

Ambry Genetics
Classification: Uncertain significance for Cardiovascular phenotype. Last evaluated: 2023-12-30. Review status: criteria provided, single submitter. Criteria: Ambry Variant Classification Scheme 2023. Collection method: clinical testing. Allele origin: germline.
Comment: The p.L1130S variant (also known as c.3389T>C), located in coding exon 22 of the ABCA1 gene, results from a T to C substitution at nucleotide position 3389. The leucine at codon 1130 is replaced by serine, an amino acid with dissimilar properties. This amino acid position is conserved. In addition, this alteration is predicted to be deleterious by in silico analysis. Since supporting evidence is limited at this time, the clinical significance of this alteration remains unclear.